The following is an entry in ClinVar:

NM_007144.3(PCGF2):c.904C>A (p.Pro302Thr)

Genes: CISD3 (CDGSH iron sulfur domain 3; plus strand), PCGF2 (polycomb group ring finger 2; minus strand). Cytogenetic location: 17q12.
Variant type: single nucleotide variant.
Coding change: c.904C>A on transcript NM_007144.3 (MANE Select); coding-DNA position 904, C replaced by A.
Protein change: p.Pro302Thr; replaces proline 302 with threonine.
Molecular consequence: missense variant. On other transcripts: 3 prime UTR variant (1).
Genome position (GRCh38, 1-based): chr17:38,735,354, G>T on the plus strand (C>A on the coding strand, the complement: PCGF2 is on the minus strand). VCF-style: chr17-38735354-G-T. GRCh37 (hg19) VCF-style: chr17-36891607-G-T.
Other names: c.*1899G>T (NM_001136498.2); c.904C>A, p.Pro302Thr (NM_001369614.1, NM_001369615.1); short protein forms P302T.
Identifiers: ClinVar variation 3252823 (VCV003252823.1), dbSNP rs2508664857.

ClinVar aggregate classification (germline): Uncertain significance (1 of 4 stars; one submission).

Submission:

GeneDx
Classification: Uncertain significance. Last evaluated: 2023-12-08. Review status: criteria provided, single submitter. Criteria: GeneDx Variant Classification Process June 2021. Collection method: clinical testing. Allele origin: germline. Affected: yes.
Comment: Not observed at significant frequency in large population cohorts (gnomAD); In silico analysis supports that this missense variant does not alter protein structure/function; Has not been previously published as pathogenic or benign to our knowledge